The following is an entry in ClinVar:

NM_025114.4(CEP290):c.7209+2T>G

Gene: CEP290 (centrosomal protein 290; minus strand). Cytogenetic location: 12q21.32.
Variant type: single nucleotide variant.
Coding change: c.7209+2T>G on transcript NM_025114.4 (MANE Select); the canonical splice donor site of the intron after coding-DNA position 7209, T replaced by G.
Molecular consequence: splice donor variant.
Genome position (GRCh38, 1-based): chr12:88,050,352, A>C on the plus strand (T>G on the coding strand, the complement: CEP290 is on the minus strand). VCF-style: chr12-88050352-A-C. GRCh37 (hg19) VCF-style: chr12-88444129-A-C.
Other names: c.7209+2T>G (NM_025114.3).
Identifiers: ClinVar variation 3756390 (VCV003756390.4).

ClinVar aggregate classification (germline): Pathogenic/Likely pathogenic. Review status: criteria provided, multiple submitters, no conflicts (2 of 4 stars). 3 submissions from 3 submitters: Pathogenic (1); Likely pathogenic (2). Last evaluated 2026-01-14.

Conditions:
Meckel-Gruber syndrome. Also called: Dysencephalia splachnocystica; DYSENCEPHALIA SPLANCHNOCYSTICA; GRUBER SYNDROME. Identifiers: Orphanet 564, MedGen C0265215, MONDO:0018921.
Joubert syndrome. Also called: Familial aplasia of the vermis; JOUBERT-BOLTSHAUSER SYNDROME. Identifiers: Orphanet 475, MedGen C5979921, MONDO:0018772.
Nephronophthisis. Also called: Juvenile Nephronophthisis. Identifiers: Orphanet 655, MedGen C0687120, MONDO:0019005, HP:0000090.
Leber congenital amaurosis (LCA). Also called: Leber's amaurosis. Identifiers: Orphanet 65, MedGen C0339527, MeSH D057130, MONDO:0018998.
CEP290-related disorder. Also called: CEP290-related disorders; CEP290-related condition. Identifiers: MedGen CN239314.

gnomAD v4.1: 1 of 1,422,070 alleles (0.00007%); highest among the groups gnomAD compares: Non-Finnish European, 0.000098%; no homozygotes.

Submissions (3):

PreventionGenetics, part of Exact Sciences
Classification: Likely pathogenic for CEP290-related condition. Last evaluated: 2026-01-14. Review status: criteria provided, single submitter. Criteria: ACMG Guidelines, 2015. Collection method: clinical testing. Allele origin: germline.
Comment: The CEP290 c.7209+2T>G variant is predicted to disrupt the GT donor site and interfere with normal splicing. To our knowledge, this variant has not been reported in the literature or in a large population database (gnomAD), indicating this variant is rare. Variants that disrupt the consensus splice donor site in CEP290 are expected to be pathogenic. This variant is interpreted as likely pathogenic.

Natera, Inc.
Classification: Likely pathogenic for Leber congenital amaurosis. Last evaluated: 2025-02-19. Review status: criteria provided, single submitter. Criteria: Natera Variant Classification Schema (03/2026). Collection method: clinical testing. Allele origin: germline.
Comment: The c.7209+2T>G variant in CEP290 is a canonical splice donor site variant predicted to affect pre-mRNA splicing, which may result in an abnormal transcript and altered protein product. This variant is expected to result in nonsense mediated decay, truncation, or a dysfunctional protein product. This variant is rare in the general population with a frequency below the threshold expected for the associated phenotype(s). Given the available evidence, this variant is classified as Likely Pathogenic.

Labcorp Genetics (formerly Invitae), Labcorp
Classification: Pathogenic for Joubert syndrome; Meckel-Gruber syndrome; Nephronophthisis. Last evaluated: 2024-05-16. Review status: criteria provided, single submitter. Criteria: Invitae Variant Classification Sherloc (09022015). Collection method: clinical testing. Allele origin: germline.
Comment: This sequence change affects a donor splice site in intron 53 of the CEP290 gene. While this variant is not anticipated to result in nonsense mediated decay, it likely alters RNA splicing and results in a disrupted protein product. This variant is not present in population databases (gnomAD no frequency). This variant has not been reported in the literature in individuals affected with CEP290-related conditions. Variants that disrupt the consensus splice site are a relatively common cause of aberrant splicing (PMID: 17576681, 9536098). Algorithms developed to predict the effect of sequence changes on RNA splicing suggest that this variant may disrupt the consensus splice site. This variant disrupts a region of the CEP290 protein in which other variant(s) (p.Leu2448Thrfs*8 ) have been determined to be pathogenic (PMID: 16682973, 16909394, 29588463). This suggests that this is a clinically significant region of the protein, and that variants that disrupt it are likely to be disease-causing. For these reasons, this variant has been classified as Pathogenic.

Literature cited by the submitters: PubMed 17576681 (cited by Labcorp Genetics (formerly Invitae), Labcorp); PubMed 9536098 (cited by Labcorp Genetics (formerly Invitae), Labcorp); PubMed 16682973 (cited by Labcorp Genetics (formerly Invitae), Labcorp); PubMed 16909394 (cited by Labcorp Genetics (formerly Invitae), Labcorp); PubMed 29588463 (cited by Labcorp Genetics (formerly Invitae), Labcorp).